The following is an entry in ClinVar:

NM_001903.5(CTNNA1):c.389C>T (p.Ala130Val)

Gene: CTNNA1 (catenin alpha 1; plus strand). Cytogenetic location: 5q31.2.
Variant type: single nucleotide variant.
Coding change: c.389C>T on transcript NM_001903.5 (MANE Select); coding-DNA position 389, C replaced by T.
Protein change: p.Ala130Val; replaces alanine 130 with valine.
Molecular consequence: missense variant.
Genome position (GRCh38, 1-based): chr5:138,810,125, C>T. VCF-style: chr5-138810125-C-T. GRCh37 (hg19) VCF-style: chr5-138145814-C-T.
Other names: c.389C>T, p.Ala130Val (NM_001290307.3, NM_001323982.2, NM_001323983.1 and 3 more transcripts); c.80C>T, p.Ala27Val (NM_001290309.3); c.20C>T, p.Ala7Val (NM_001290310.3); short protein forms A130V, A27V, A7V.
Identifiers: ClinVar variation 834443 (VCV000834443.7), dbSNP rs1758523143, ClinGen allele CA361123178.

ClinVar aggregate classification (germline): Uncertain significance (1 of 4 stars; one submission).

Allele frequency attached by ClinVar (database versions not stated): gnomAD exomes below 0.00001.
gnomAD v4.1: 3 of 1,614,164 alleles (0.00019%); highest among the groups gnomAD compares: Admixed American, 0.0017%; no homozygotes.

Submission:

Labcorp Genetics (formerly Invitae), Labcorp
Classification: Uncertain significance. Last evaluated: 2026-02-03. Review status: criteria provided, single submitter. Criteria: Invitae Variant Classification Sherloc (09022015). Collection method: clinical testing. Allele origin: germline.
Comment: This sequence change replaces alanine, which is neutral and non-polar, with valine, which is neutral and non-polar, at codon 130 of the CTNNA1 protein (p.Ala130Val). This variant is not present in population databases (gnomAD no frequency). This variant has not been reported in the literature in individuals affected with CTNNA1-related conditions. ClinVar contains an entry for this variant (Variation ID: 834443). Invitae Evidence Modeling of protein sequence and biophysical properties (such as structural, functional, and spatial information, amino acid conservation, physicochemical variation, residue mobility, and thermodynamic stability) indicates that this missense variant is not expected to disrupt CTNNA1 protein function with a negative predictive value of 80%. In summary, the available evidence is currently insufficient to determine the role of this variant in disease. Therefore, it has been classified as a Variant of Uncertain Significance.